The following is an entry in ClinVar:

NM_001231.5(CASQ1):c.409G>A (p.Val137Ile)

Gene: CASQ1 (calsequestrin 1; plus strand). Cytogenetic location: 1q23.2.
Variant type: single nucleotide variant.
Coding change: c.409G>A on transcript NM_001231.5 (MANE Select); coding-DNA position 409, G replaced by A.
Protein change: p.Val137Ile; replaces valine 137 with isoleucine.
Molecular consequence: missense variant.
Genome position (GRCh38, 1-based): chr1:160,193,791, G>A. VCF-style: chr1-160193791-G-A. GRCh37 (hg19) VCF-style: chr1-160163581-G-A.
Other names: short protein forms V137I.
Identifiers: ClinVar variation 452046 (VCV000452046.3), dbSNP rs757913795, ClinGen allele CA343253891.

ClinVar aggregate classification (germline): Uncertain significance (1 of 4 stars; one submission).

gnomAD v4.1: 1 of 1,613,066 alleles (0.000062%); highest among the groups gnomAD compares: Non-Finnish European, 0.000085%; no homozygotes.

Submission:

GeneDx
Classification: Uncertain significance. Last evaluated: 2020-01-21. Review status: criteria provided, single submitter. Criteria: GeneDx Variant Classification Process June 2021. Collection method: clinical testing. Allele origin: germline. Affected: yes.
Comment: Not observed in large population cohorts (Lek et al., 2016); In silico analysis, which includes protein predictors and evolutionary conservation, supports that this variant does not alter protein structure/function; Has not been previously published as pathogenic or benign to our knowledge